The following is an entry in ClinVar:

ClinVar aggregate classification (germline): Benign. Review status: criteria provided, multiple submitters, no conflicts (2 of 4 stars). 2 submissions from 2 submitters: Benign (2). Last evaluated 2018-01-13.

Conditions:
Congenital glucose-galactose malabsorption (GGM). Also called: MONOSACCHARIDE MALABSORPTION; DIARRHEA 16. Identifiers: Orphanet 35710, MedGen C0268186, MONDO:0011731, OMIM 606824.

Allele frequency attached by ClinVar (database versions not stated): TOPMed 0.00967; 1000 Genomes Project 30x 0.00999; 1000 Genomes Project 0.01158; gnomAD 0.01237 and 0.01271.

Submissions (2):

Illumina Laboratory Services, Illumina
Classification: Benign for Congenital glucose-galactose malabsorption. Last evaluated: 2018-01-13. Review status: criteria provided, single submitter. Criteria: ICSL Variant Classification Criteria 13 December 2019. Collection method: clinical testing. Allele origin: germline.
Comment: This variant was observed in the ICSL laboratory as part of a predisposition screen in an ostensibly healthy population. It had not been previously curated by ICSL or reported in the Human Gene Mutation Database (HGMD: prior to June 1st, 2018), and was therefore a candidate for classification through an automated scoring system. Utilizing variant allele frequency, disease prevalence and penetrance estimates, and inheritance mode, an automated score was calculated to assess if this variant is too frequent to cause the disease. Based on the score and internal cut-off values, a variant classified as benign is not then subjected to further curation. The score for this variant resulted in a classification of benign for this disease.

Breakthrough Genomics
Classification: Benign. Review status: criteria provided, single submitter. Criteria: ACMG Guidelines, 2015. Collection method: not provided. Allele origin: germline. Inheritance: Autosomal recessive inheritance. Affected: yes.

NM_000343.4(SLC5A1):c.*795G>T

Gene: SLC5A1 (solute carrier family 5 member 1; plus strand). Cytogenetic location: 22q12.3.
Variant type: single nucleotide variant.
Coding change: c.*795G>T on transcript NM_000343.4 (MANE Select); 795 bases downstream of the stop codon, G replaced by T.
Molecular consequence: 3 prime UTR variant.
Genome position (GRCh38, 1-based): chr22:32,111,008, G>T. VCF-style: chr22-32111008-G-T. GRCh37 (hg19) VCF-style: chr22-32506995-G-T.
Other names: c.*795G>T (NM_001256314.2).
Identifiers: ClinVar variation 341279 (VCV000341279.6), dbSNP rs117904039, ClinGen allele CA10653364.